The following is an entry in ClinVar:

ClinVar aggregate classification (germline): Pathogenic/Likely pathogenic. Review status: criteria provided, multiple submitters, no conflicts (2 of 4 stars). 2 submissions from 2 submitters: Pathogenic (1); Likely pathogenic (1). Last evaluated 2025-04-09.

Conditions:
RET-related disorder. Also called: RET-related disorders; RET-related condition; RET-related disease.
Multiple endocrine neoplasia, type 2 (MEN2). Identifiers: Orphanet 653, MedGen C4048306, MONDO:0019003. Disease mechanism: gain of function.

Submissions (2):

PreventionGenetics, part of Exact Sciences
Classification: Likely pathogenic for RET-related condition. Last evaluated: 2025-04-09. Review status: criteria provided, single submitter. Criteria: ACMG Guidelines, 2015. Collection method: clinical testing. Allele origin: germline.
Comment: The RET c.936_939delGCGG variant is predicted to result in a frameshift and premature protein termination (p.Arg312Serfs*100). To our knowledge, this variant has not been reported in the literature or in a large population database (gnomAD), indicating this variant is rare. Frameshift variants in RET are expected to be pathogenic. This variant is interpreted as likely pathogenic.

Labcorp Genetics (formerly Invitae), Labcorp
Classification: Pathogenic for Multiple endocrine neoplasia, type 2. Last evaluated: 2019-07-11. Review status: criteria provided, single submitter. Criteria: Invitae Variant Classification Sherloc (09022015). Collection method: clinical testing. Allele origin: germline.
Comment: This variant has not been reported in the literature in individuals with RET-related conditions. For these reasons, this variant has been classified as Pathogenic. Loss-of-function variants in RET are known to be pathogenic (PMID: 22174939, 22648184). This variant is not present in population databases (ExAC no frequency). This sequence change creates a premature translational stop signal (p.Arg312Serfs*100) in the RET gene. It is expected to result in an absent or disrupted protein product.

Literature cited by the submitters: PubMed 22174939 (cited by Labcorp Genetics (formerly Invitae), Labcorp); PubMed 22648184 (cited by Labcorp Genetics (formerly Invitae), Labcorp).

NM_020975.6(RET):c.936_939del (p.Arg312fs)

Gene: RET (ret proto-oncogene; plus strand). Cytogenetic location: 10q11.21.
Variant type: Deletion.
Coding change: c.936_939del on transcript NM_020975.6 (MANE Select); coding-DNA positions 936 to 939, 4 bases deleted (GCGG; older notation c.936_939delGCGG).
Protein change: p.Arg312fs; shifts the reading frame from arginine 312.
Molecular consequence: frameshift variant.
Genome position (GRCh38, 1-based): chr10:43,106,444-43,106,447, GCGG deleted; deleting any 4 consecutive bases within chr10:43,106,443-43,106,447 gives the same sequence; the c. name uses the placement nearest the transcript's 3' end. VCF-style (leftmost placement, unchanged base first): chr10-43106442-AGGCG-A. GRCh37 (hg19) VCF-style: chr10-43601890-AGGCG-A.
Other names: c.936_939delGCGG, p.Arg312Serfs (NM_000323.2, NM_001406743.1, NM_001406744.1 and 6 more transcripts); c.174_177delGCGG, p.Arg58Serfs (NM_001355216.2); c.807_810delGCGG, p.Arg269Serfs (NM_001406761.1, NM_001406762.1, NM_001406764.1 and 1 more transcripts); c.648_651delGCGG, p.Arg216Serfs (NM_001406766.1, NM_001406767.1, NM_001406770.1); short protein forms R312fs, R58fs.
Identifiers: ClinVar variation 963299 (VCV000963299.10), dbSNP rs1837778621, ClinGen allele CA1139661424.
Genomic context (GRCh38, chr10:43,106,442, plus strand): 5'-GTGGTGGCCACGCTGCGTGTCTTCGATGCAGACGTGGTACCTGCATCAGGGGAGCTGGTG[AGGCG>A]GTACACAAGCACGCTGCTCCCCGGGGACACCTGGGCCCAGCAGACCTTCCGGGTGGAACA-3'